The following is an entry in ClinVar:

ClinVar aggregate classification (germline): Likely benign. Review status: criteria provided, multiple submitters, no conflicts (2 of 4 stars). 2 submissions from 2 submitters: Likely benign (2). Last evaluated 2025-08-12.

Conditions:
TTN-related disorder. Also called: TTN-related condition; TTN-related disease; TTN-related disorders.
Dilated cardiomyopathy 1G (CMD1G). Identifiers: Orphanet 154, MedGen C1858763, MONDO:0011400, OMIM 604145.
Autosomal recessive limb-girdle muscular dystrophy type 2J (LGMDR10). Also called: Limb-girdle muscular dystrophy, type 2J; MUSCULAR DYSTROPHY, LIMB-GIRDLE, AUTOSOMAL RECESSIVE 10. Identifiers: Orphanet 140922, MedGen C1837342, MONDO:0012127, OMIM 608807.

gnomAD v4.1: 8 of 1,608,968 alleles (0.0005%); highest among the groups gnomAD compares: Non-Finnish European, 0.00068%; no homozygotes.

Submissions (2):

PreventionGenetics, part of Exact Sciences
Classification: Likely benign for TTN-related condition. Last evaluated: 2025-08-12. Review status: criteria provided, single submitter. Criteria: ACMG Guidelines, 2015. Collection method: clinical testing. Allele origin: germline.
Comment: This variant is classified as likely benign based on ACMG/AMP sequence variant interpretation guidelines (Richards et al. 2015 PMID: 25741868, with internal and published modifications).

Labcorp Genetics (formerly Invitae), Labcorp
Classification: Likely benign for Dilated cardiomyopathy 1G; Autosomal recessive limb-girdle muscular dystrophy type 2J. Last evaluated: 2024-04-14. Review status: criteria provided, single submitter. Criteria: Invitae Variant Classification Sherloc (09022015). Collection method: clinical testing. Allele origin: germline.

NM_001267550.2(TTN):c.58732+10A>T

Genes: TTN (titin; minus strand), TTN-AS1 (TTN antisense RNA 1; plus strand). Cytogenetic location: 2q31.2.
Variant type: single nucleotide variant.
Coding change: c.58732+10A>T on transcript NM_001267550.2 (MANE Select); 10 bases into the intron after coding-DNA position 58732, A replaced by T.
Molecular consequence: intron variant.
Genome position (GRCh38, 1-based): chr2:178,593,558, T>A on the plus strand (A>T on the coding strand, the complement: TTN is on the minus strand). VCF-style: chr2-178593558-T-A. GRCh37 (hg19) VCF-style: chr2-179458285-T-A.
Other names: c.31537+10A>T (NM_003319.4); c.32113+10A>T (NM_133437.4); c.31912+10A>T (NM_133432.3); c.51028+10A>T (NM_133378.4); c.53809+10A>T (NM_001256850.1).
Identifiers: ClinVar variation 2173712 (VCV002173712.5), dbSNP rs2469588098, ClinGen allele CA2580064900.